The following is an entry in ClinVar:

NC_000009.11:g.(?_140605399)_(140773631_?)del

Genes: CACNA1B (calcium voltage-gated channel subunit alpha1 B; plus strand), EHMT1 (euchromatic histone lysine methyltransferase 1; plus strand), LOC651337 (uncharacterized LOC651337; minus strand). Cytogenetic location: 9q34.3.
Variant type: Deletion.
Identifiers: ClinVar variation 3245170 (VCV003245170.1).

ClinVar aggregate classification (germline): Pathogenic (1 of 4 stars; one submission).

Conditions:
Kleefstra syndrome 1 (KLEFS1). Identifiers: Orphanet 261494, MedGen C0795833, MONDO:0027407, OMIM 610253.

Submission:

Labcorp Genetics (formerly Invitae), Labcorp
Classification: Pathogenic for Kleefstra syndrome 1. Last evaluated: 2023-07-19. Review status: criteria provided, single submitter. Criteria: Invitae Variant Classification Sherloc (09022015). Collection method: clinical testing. Allele origin: unknown.
Comment: For these reasons, this variant has been classified as Pathogenic. This variant disrupts a region of the EHMT1 protein in which other variant(s) (c.3313T>C) have been determined to be pathogenic (Invitae). This suggests that this is a clinically significant region of the protein, and that variants that disrupt it are likely to be disease-causing. This variant has not been reported in the literature in individuals affected with EHMT1-related conditions. This variant is a gross deletion of the genomic region encompassing exon(s) 2-27 of the EHMT1 gene, which includes the termination codon. This deletion extends beyond the assayed region for this gene and therefore may encompass additional genes. While this deletion is not anticipated to lead to nonsense mediated decay, it is expected to alter mRNA translation or result in a truncated protein product.